The following is an entry in ClinVar:

NM_024675.4(PALB2):c.358A>G (p.Arg120Gly)

Gene: PALB2 (partner and localizer of BRCA2; minus strand). Cytogenetic location: 16p12.2.
Variant type: single nucleotide variant.
Coding change: c.358A>G on transcript NM_024675.4 (MANE Select); coding-DNA position 358, A replaced by G.
Protein change: p.Arg120Gly; replaces arginine 120 with glycine.
Molecular consequence: missense variant.
Genome position (GRCh38, 1-based): chr16:23,636,188, T>C on the plus strand (A>G on the coding strand, the complement: PALB2 is on the minus strand). VCF-style: chr16-23636188-T-C. GRCh37 (hg19) VCF-style: chr16-23647509-T-C.
Other names: c.298A>G, p.Arg100Gly (NM_001407296.1); c.358A>G, p.Arg120Gly (NM_001407297.1, NM_001407298.1, NM_001407299.1 and 3 more transcripts); c.-528A>G (NM_001407304.1, NM_001407305.1, NM_001407306.1 and 5 more transcripts); short protein forms R120G, R100G.
Identifiers: ClinVar variation 1732971 (VCV001732971.4), dbSNP rs2142445228, ClinGen allele CA395137623.

ClinVar aggregate classification (germline): Conflicting classifications of pathogenicity. Review status: criteria provided, conflicting classifications (1 of 4 stars). 2 submissions from 2 submitters: Uncertain significance (1); Likely benign (1). Last evaluated 2024-08-31.

Conditions:
Hereditary cancer-predisposing syndrome. Also called: Neoplastic Syndromes, Hereditary; Tumor predisposition; Hereditary Cancer Syndrome; Hereditary neoplastic syndrome. Identifiers: Orphanet 140162, MedGen C0027672, MeSH D009386, MONDO:0015356.
Familial cancer of breast. Also called: BREAST CANCER, FAMILIAL; Hereditary breast cancer; hereditary breast carcinoma. Identifiers: Orphanet 227535, MedGen C0346153, MONDO:0016419, OMIM 114480. Disease mechanism: loss of function.

Submissions (2):

Labcorp Genetics (formerly Invitae), Labcorp
Classification: Uncertain significance for Familial cancer of breast. Last evaluated: 2024-08-31. Review status: criteria provided, single submitter. Criteria: Invitae Variant Classification Sherloc (09022015). Collection method: clinical testing. Allele origin: germline.
Comment: This sequence change replaces arginine, which is basic and polar, with glycine, which is neutral and non-polar, at codon 120 of the PALB2 protein (p.Arg120Gly). This variant is not present in population databases (gnomAD no frequency). This variant has not been reported in the literature in individuals affected with PALB2-related conditions. ClinVar contains an entry for this variant (Variation ID: 1732971). An algorithm developed to predict the effect of missense changes on protein structure and function outputs the following: PolyPhen-2: "Benign". The glycine amino acid residue is found in multiple mammalian species, which suggests that this missense change does not adversely affect protein function. In summary, the available evidence is currently insufficient to determine the role of this variant in disease. Therefore, it has been classified as a Variant of Uncertain Significance.

Ambry Genetics
Classification: Likely benign for Hereditary cancer-predisposing syndrome. Last evaluated: 2020-10-01. Review status: criteria provided, single submitter. Criteria: Ambry Variant Classification Scheme 2023. Collection method: clinical testing. Allele origin: germline.